The following is an entry in ClinVar:

NM_173598.6(KSR2):c.2395G>A (p.Val799Met)

Gene: KSR2 (kinase suppressor of ras 2; minus strand). Cytogenetic location: 12q24.22.
Variant type: single nucleotide variant.
Coding change: c.2395G>A on transcript NM_173598.6 (MANE Select); coding-DNA position 2395, G replaced by A.
Protein change: p.Val799Met; replaces valine 799 with methionine.
Molecular consequence: missense variant.
Genome position (GRCh38, 1-based): chr12:117,484,471, C>T on the plus strand (G>A on the coding strand, the complement: KSR2 is on the minus strand). VCF-style: chr12-117484471-C-T. GRCh37 (hg19) VCF-style: chr12-117922276-C-T.
Other names: short protein forms V799M.
Identifiers: ClinVar variation 4984314 (VCV004984314.1).

ClinVar aggregate classification (germline): Uncertain significance (1 of 4 stars; one submission).

Conditions:
KSR2-related disorder. Also called: KSR2-related condition.

Submission:

PreventionGenetics, part of Exact Sciences
Classification: Uncertain significance for KSR2-related condition. Last evaluated: 2026-09-11. Review status: criteria provided, single submitter. Criteria: ACMG Guidelines, 2015. Collection method: clinical testing. Allele origin: germline.
Comment: The KSR2 c.2308G>A variant is predicted to result in the amino acid substitution p.Val770Met. To our knowledge, this variant has not been reported in the literature or in a large population database (gnomAD), indicating this variant is rare. At this time, the clinical significance of this variant is uncertain due to the absence of conclusive functional and genetic evidence.